The following is an entry in ClinVar:

NM_024105.4(ALG12):c.336G>A (p.Trp112Ter)

Gene: ALG12 (ALG12 alpha-1,6-mannosyltransferase; minus strand). Cytogenetic location: 22q13.33.
Variant type: single nucleotide variant.
Coding change: c.336G>A on transcript NM_024105.4 (MANE Select); coding-DNA position 336, G replaced by A.
Protein change: p.Trp112Ter; replaces tryptophan 112 with a stop codon.
Molecular consequence: nonsense.
Genome position (GRCh38, 1-based): chr22:49,910,567, C>T on the plus strand (G>A on the coding strand, the complement: ALG12 is on the minus strand). VCF-style: chr22-49910567-C-T. GRCh37 (hg19) VCF-style: chr22-50304215-C-T.
Other names: short protein forms W112*.
Identifiers: ClinVar variation 2073899 (VCV002073899.4), dbSNP rs1404131978, ClinGen allele CA412078653.

ClinVar aggregate classification (germline): Pathogenic (1 of 4 stars; one submission).

Conditions:
ALG12-congenital disorder of glycosylation (CDG1G). Also called: ALG12-CDG; CDG Ig; Congenital disorder of glycosylation, type Ig. Identifiers: Orphanet 79324, MedGen C2931001, MONDO:0011783, OMIM 607143.

Allele frequency attached by ClinVar (database versions not stated): gnomAD 0.00001; gnomAD exomes 0.00004.
gnomAD v4.1: 24 of 1,614,054 alleles (0.0015%); no homozygotes.

Submission:

Labcorp Genetics (formerly Invitae), Labcorp
Classification: Pathogenic for ALG12-congenital disorder of glycosylation. Last evaluated: 2023-08-27. Review status: criteria provided, single submitter. Criteria: Invitae Variant Classification Sherloc (09022015). Collection method: clinical testing. Allele origin: germline.
Comment: For these reasons, this variant has been classified as Pathogenic. ClinVar contains an entry for this variant (Variation ID: 2073899). This variant has not been reported in the literature in individuals affected with ALG12-related conditions. This variant is present in population databases (no rsID available, gnomAD 0.03%). This sequence change creates a premature translational stop signal (p.Trp112*) in the ALG12 gene. It is expected to result in an absent or disrupted protein product. Loss-of-function variants in ALG12 are known to be pathogenic (PMID: 15639192, 31481313).

Literature cited by the submitters: PubMed 15639192; PubMed 31481313.